The following is an entry in ClinVar:

ClinVar aggregate classification (germline): Benign/Likely benign. Review status: criteria provided, multiple submitters, no conflicts (2 of 4 stars). 3 submissions from 3 submitters: Benign (1); Likely benign (2). Last evaluated 2025-12-24.

Conditions:
Microphthalmia, syndromic 9. Also called: ANOPHTHALMIA, CLINICAL, WITH MILD FACIAL DYSMORPHISM AND VARIABLE MALFORMATIONS OF THE LUNG, HEART, AND DIAPHRAGM; ANOPHTHALMIA/MICROPHTHALMIA AND PULMONARY HYPOPLASIA; Matthew-Wood syndrome; PULMONARY AGENESIS, MICROPHTHALMIA, AND DIAPHRAGMATIC DEFECT; SPEAR SYNDROME. Identifiers: Orphanet 2470, MedGen C1832661, MONDO:0011010, OMIM 601186.

Allele frequency attached by ClinVar (database versions not stated): 1000 Genomes Project 30x 0.01093; gnomAD exomes 0.00235; ExAC 0.00298; gnomAD 0.00856 and 0.00924; TOPMed 0.00931; ESP Exome Variant Server 0.00978; 1000 Genomes Project 0.01018.
gnomAD v4.1: 2,566 of 1,614,066 alleles (0.16%); highest among the groups gnomAD compares: African/African-American, 2.9%; 36 homozygotes.

Submissions (3):

Labcorp Genetics (formerly Invitae), Labcorp
Classification: Benign for Microphthalmia, syndromic 9. Last evaluated: 2025-12-24. Review status: criteria provided, single submitter. Criteria: Invitae Variant Classification Sherloc (09022015). Collection method: clinical testing. Allele origin: germline.

Illumina Laboratory Services, Illumina
Classification: Likely benign for Microphthalmia, syndromic 9. Last evaluated: 2017-04-27. Review status: criteria provided, single submitter. Criteria: ICSL Variant Classification Criteria 13 December 2019. Collection method: clinical testing. Allele origin: germline.
Comment: This variant was observed as part of a predisposition screen in an ostensibly healthy population. A literature search was performed for the gene, cDNA change, and amino acid change (where applicable). Publications were found based on this search. The evidence from the literature, in combination with allele frequency data from public databases where available, was sufficient to determine this variant is unlikely to cause disease. Therefore, this variant is classified as likely benign.

Breakthrough Genomics
Classification: Likely benign. Review status: criteria provided, single submitter. Criteria: ACMG Guidelines, 2015. Collection method: not provided. Allele origin: germline. Inheritance: Autosomal recessive inheritance. Affected: yes.

Literature cited by the submitters: PubMed 17503335 (cited by Illumina Laboratory Services, Illumina).

NM_022369.4(STRA6):c.1416G>A (p.Ser472=)

Gene: STRA6 (signaling receptor and transporter of retinol STRA6; minus strand). Cytogenetic location: 15q24.1.
Variant type: single nucleotide variant.
Coding change: c.1416G>A on transcript NM_022369.4 (MANE Select); coding-DNA position 1416, G replaced by A.
Protein change: p.Ser472=; no amino-acid change (serine 472 retained).
Molecular consequence: synonymous variant.
Genome position (GRCh38, 1-based): chr15:74,182,345, C>T on the plus strand (G>A on the coding strand, the complement: STRA6 is on the minus strand). VCF-style: chr15-74182345-C-T. GRCh37 (hg19) VCF-style: chr15-74474686-C-T.
Other names: c.1416G>A, p.Ser472= (NM_001142617.2, NM_001142618.2); c.1389G>A, p.Ser463= (NM_001142619.2); c.1527G>A, p.Ser509= (NM_001199040.2); c.1461G>A, p.Ser487= (NM_001199041.2); c.1533G>A, p.Ser511= (NM_001199042.2).
Identifiers: ClinVar variation 317103 (VCV000317103.14), dbSNP rs351241, ClinGen allele CA7654579.
Genomic context (GRCh38, chr15:74,182,345, plus strand): 5'-GTCGCTGTTAGCGGACCTCTAAGGAGTCCCTGAGCCCTCCATGTCTTGTTTCACTCACCA[C>T]GAGGACTCCAGGGAACGGAAGAGCAGGAGGTTCCTGCCATGGAGCACAGGCATGAGCACC-3'
Protein context (NP_071764.3, residues 462-482): NLLLFRSLES[Ser472=]WPFWLTLALA